The following is an entry in ClinVar:

NM_006031.6(PCNT):c.2230G>A (p.Glu744Lys)

Gene: PCNT (pericentrin; plus strand). Cytogenetic location: 21q22.3.
Variant type: single nucleotide variant.
Coding change: c.2230G>A on transcript NM_006031.6 (MANE Select); coding-DNA position 2230, G replaced by A.
Protein change: p.Glu744Lys; replaces glutamic acid 744 with lysine.
Molecular consequence: missense variant.
Genome position (GRCh38, 1-based): chr21:46,363,555, G>A. VCF-style: chr21-46363555-G-A. GRCh37 (hg19) VCF-style: chr21-47783470-G-A.
Other names: c.1876G>A, p.Glu626Lys (NM_001315529.2); short protein forms E626K, E744K.
Identifiers: ClinVar variation 4977742 (VCV004977742.1).

ClinVar aggregate classification (germline): Uncertain significance (1 of 4 stars; one submission).

Conditions:
PCNT-related disorder. Also called: PCNT-related condition.

gnomAD v4.1: 2 of 1,614,000 alleles (0.00012%); highest among the groups gnomAD compares: Non-Finnish European, 0.00017%; no homozygotes.

Submission:

PreventionGenetics, part of Exact Sciences
Classification: Uncertain significance for PCNT-related condition. Last evaluated: 2025-05-27. Review status: criteria provided, single submitter. Criteria: ACMG Guidelines, 2015. Collection method: clinical testing. Allele origin: germline.
Comment: The PCNT c.2230G>A variant is predicted to result in the amino acid substitution p.Glu744Lys. To our knowledge, this variant has not been reported in the literature. This variant is reported in 0.00088% of alleles in individuals of European (Non-Finnish) descent in gnomAD. At this time, the clinical significance of this variant is uncertain due to the absence of conclusive functional and genetic evidence.